The following is an entry in ClinVar:

NM_006231.4(POLE):c.3607G>C (p.Asp1203His)

Gene: POLE (DNA polymerase epsilon, catalytic subunit; minus strand). Cytogenetic location: 12q24.33.
Variant type: single nucleotide variant.
Coding change: c.3607G>C on transcript NM_006231.4 (MANE Select); coding-DNA position 3607, G replaced by C.
Protein change: p.Asp1203His; replaces aspartic acid 1203 with histidine.
Molecular consequence: missense variant.
Genome position (GRCh38, 1-based): chr12:132,649,865, C>G on the plus strand (G>C on the coding strand, the complement: POLE is on the minus strand). VCF-style: chr12-132649865-C-G. GRCh37 (hg19) VCF-style: chr12-133226451-C-G.
Other names: short protein forms D1203H.
Identifiers: ClinVar variation 4882749 (VCV004882749.2).

ClinVar aggregate classification (germline): Uncertain significance (1 of 4 stars; one submission).

Submission:

Dasa
Classification: Uncertain significance. Last evaluated: 2025-04-30. Review status: criteria provided, single submitter. Criteria: DASA Assertion Criteria. Collection method: clinical testing. Allele origin: germline.
Comment: NM_006231.4(POLE):c.3607G>C (p.Asp1203His) is a missense variant that results in the substitution of aspartic acid with histidine. This variant is absent from population databases. Computational prediction algorithms are consistent with a benign effect. The currently available literature and clinical evidence are not sufficient to establish a definitive association between this variant and the reported condition. Therefore, this variant is classified as a variant of uncertain significance.